The following is an entry in ClinVar:

NM_001734.5(C1S):c.896C>T (p.Thr299Ile)

Gene: C1S (complement C1s; plus strand). Cytogenetic location: 12p13.31.
Variant type: single nucleotide variant.
Coding change: c.896C>T on transcript NM_001734.5 (MANE Select); coding-DNA position 896, C replaced by T.
Protein change: p.Thr299Ile; replaces threonine 299 with isoleucine.
Molecular consequence: missense variant.
Genome position (GRCh38, 1-based): chr12:7,066,542, C>T. VCF-style: chr12-7066542-C-T. GRCh37 (hg19) VCF-style: chr12-7173846-C-T.
Other names: c.395C>T, p.Thr132Ile (NM_001346850.2); c.896C>T, p.Thr299Ile (NM_201442.4); short protein forms T299I, T132I.
Identifiers: ClinVar variation 2760165 (VCV002760165.3), dbSNP rs1555162260, ClinGen allele CA383698623.

ClinVar aggregate classification (germline): Uncertain significance (1 of 4 stars; one submission).

gnomAD v4.1: 1 of 1,612,534 alleles (0.000062%); highest among the groups gnomAD compares: Non-Finnish European, 0.000085%; no homozygotes.

Submission:

Labcorp Genetics (formerly Invitae), Labcorp
Classification: Uncertain significance. Last evaluated: 2025-04-08. Review status: criteria provided, single submitter. Criteria: Invitae Variant Classification Sherloc (09022015). Collection method: clinical testing. Allele origin: germline.
Comment: This sequence change replaces threonine, which is neutral and polar, with isoleucine, which is neutral and non-polar, at codon 299 of the C1S protein (p.Thr299Ile). This variant is not present in population databases (gnomAD no frequency). This variant has not been reported in the literature in individuals affected with C1S-related conditions. ClinVar contains an entry for this variant (Variation ID: 2760165). Invitae Evidence Modeling of protein sequence and biophysical properties (such as structural, functional, and spatial information, amino acid conservation, physicochemical variation, residue mobility, and thermodynamic stability) indicates that this missense variant is not expected to disrupt C1S protein function with a negative predictive value of 80%. In summary, the available evidence is currently insufficient to determine the role of this variant in disease. Therefore, it has been classified as a Variant of Uncertain Significance.